The following is an entry in ClinVar:

NM_201384.3(PLEC):c.5365C>G (p.Leu1789Val)

Gene: PLEC (plectin; minus strand). Cytogenetic location: 8q24.3.
Variant type: single nucleotide variant.
Coding change: c.5365C>G on transcript NM_201384.3 (MANE Select); coding-DNA position 5365, C replaced by G.
Protein change: p.Leu1789Val; replaces leucine 1789 with valine.
Molecular consequence: missense variant.
Genome position (GRCh38, 1-based): chr8:143,924,564, G>C on the plus strand (C>G on the coding strand, the complement: PLEC is on the minus strand). VCF-style: chr8-143924564-G-C. GRCh37 (hg19) VCF-style: chr8-144998732-G-C.
Other names: c.5446C>G, p.Leu1816Val (NM_000445.5); c.5323C>G, p.Leu1775Val (NM_201378.4); c.5299C>G, p.Leu1767Val (NM_201379.3); c.5776C>G, p.Leu1926Val (NM_201380.4); c.5269C>G, p.Leu1757Val (NM_201381.3); c.5365C>G, p.Leu1789Val (NM_201382.4); c.5377C>G, p.Leu1793Val (NM_201383.3); short protein forms L1757V, L1767V, L1775V, L1789V, L1793V, L1816V, L1926V.
Identifiers: ClinVar variation 1052034 (VCV001052034.5), dbSNP rs1554698095, ClinGen allele CA372545712.

ClinVar aggregate classification (germline): Uncertain significance (1 of 4 stars; one submission).

Conditions:
Epidermolysis bullosa simplex 5B, with muscular dystrophy (EBS5B). Also called: Epidermolysis bullosa simplex with muscular dystrophy; EPIDERMOLYSIS BULLOSA SIMPLEX AND LIMB-GIRDLE MUSCULAR DYSTROPHY. Identifiers: Orphanet 257, MedGen C2931072, MONDO:0009181, OMIM 226670.
Epidermolysis bullosa simplex 5C, with pyloric atresia (EBS5C). Also called: Epidermolysis bullosa simplex with pyloric atresia; PLEC-Related Epidermolysis Bullosa with Pyloric Atresia; PLEC1-Related Epidermolysis Bullosa with Pyloric Atresia. Identifiers: Orphanet 158684, MedGen C2677349, MONDO:0012807, OMIM 612138.
Epidermolysis bullosa simplex, Ogna type (EBS5A). Also called: Pidermolysis bullosa simplex 5A, Ogna type; EPIDERMOLYSIS BULLOSA SIMPLEX 5A, OGNA TYPE. Identifiers: Orphanet 79401, MedGen C0432317, MONDO:0007555, OMIM 131950.
Autosomal recessive limb-girdle muscular dystrophy type 2Q (LGMDR17). Also called: MUSCULAR DYSTROPHY, LIMB-GIRDLE, AUTOSOMAL RECESSIVE 17. Identifiers: Orphanet 254361, MedGen C3150989, MONDO:0013390, OMIM 613723.
Epidermolysis bullosa simplex with nail dystrophy (EBS5D). Identifiers: MedGen C4225309, MONDO:0014661, OMIM 616487.

Allele frequency attached by ClinVar (database versions not stated): gnomAD 0.00001.
gnomAD v4.1: 2 of 1,548,330 alleles (0.00013%); highest among the groups gnomAD compares: African/African-American, 0.0014%; no homozygotes.

Submission:

Labcorp Genetics (formerly Invitae), Labcorp
Classification: Uncertain significance for Autosomal recessive limb-girdle muscular dystrophy type 2Q; Epidermolysis bullosa simplex, Ogna type; Epidermolysis bullosa simplex with nail dystrophy; Epidermolysis bullosa simplex 5C, with pyloric atresia; Epidermolysis bullosa simplex 5B, with muscular dystrophy. Last evaluated: 2020-08-20. Review status: criteria provided, single submitter. Criteria: Invitae Variant Classification Sherloc (09022015). Collection method: clinical testing. Allele origin: germline.
Comment: In summary, the available evidence is currently insufficient to determine the role of this variant in disease. Therefore, it has been classified as a Variant of Uncertain Significance. Algorithms developed to predict the effect of missense changes on protein structure and function are either unavailable or do not agree on the potential impact of this missense change (SIFT: "Deleterious"; PolyPhen-2: "Not Available"; Align-GVGD: "Class C25"). This variant has not been reported in the literature in individuals with PLEC-related conditions. The frequency data for this variant in the population databases is considered unreliable, as metrics indicate insufficient coverage at this position in the ExAC database. This sequence change replaces leucine with valine at codon 1816 of the PLEC protein (p.Leu1816Val). The leucine residue is highly conserved and there is a small physicochemical difference between leucine and valine.